The following is an entry in ClinVar:

ClinVar aggregate classification (germline): Uncertain significance (1 of 4 stars; one submission).

Conditions:
Peroxisome biogenesis disorder 5A (Zellweger) (PBD5A). Identifiers: Orphanet 912, MedGen C3553940, MONDO:0013932, OMIM 614866.

Allele frequency attached by ClinVar (database versions not stated): gnomAD exomes 0.00001; ExAC 0.00002; gnomAD 0.00002.

Submission:

Labcorp Genetics (formerly Invitae), Labcorp
Classification: Uncertain significance for Peroxisome biogenesis disorder 5A (Zellweger). Last evaluated: 2023-08-04. Review status: criteria provided, single submitter. Criteria: Invitae Variant Classification Sherloc (09022015). Collection method: clinical testing. Allele origin: germline.
Comment: Advanced modeling of protein sequence and biophysical properties (such as structural, functional, and spatial information, amino acid conservation, physicochemical variation, residue mobility, and thermodynamic stability) performed at Invitae indicates that this missense variant is not expected to disrupt PEX2 protein function. This sequence change replaces tyrosine, which is neutral and polar, with cysteine, which is neutral and slightly polar, at codon 121 of the PEX2 protein (p.Tyr121Cys). This variant is present in population databases (rs754240681, gnomAD 0.003%). This variant has not been reported in the literature in individuals affected with PEX2-related conditions. ClinVar contains an entry for this variant (Variation ID: 2056206). In summary, the available evidence is currently insufficient to determine the role of this variant in disease. Therefore, it has been classified as a Variant of Uncertain Significance.

NM_000318.3(PEX2):c.362A>G (p.Tyr121Cys)

Gene: PEX2 (peroxisomal biogenesis factor 2; minus strand). Cytogenetic location: 8q21.13.
Variant type: single nucleotide variant.
Coding change: c.362A>G on transcript NM_000318.3 (MANE Select); coding-DNA position 362, A replaced by G.
Protein change: p.Tyr121Cys; replaces tyrosine 121 with cysteine.
Molecular consequence: missense variant.
Genome position (GRCh38, 1-based): chr8:76,983,817, T>C on the plus strand (A>G on the coding strand, the complement: PEX2 is on the minus strand). VCF-style: chr8-76983817-T-C. GRCh37 (hg19) VCF-style: chr8-77896053-T-C.
Other names: c.362A>G, p.Tyr121Cys (NM_001079867.2, NM_001172086.2, NM_001172087.2); short protein forms Y121C.
Identifiers: ClinVar variation 2056206 (VCV002056206.3), dbSNP rs754240681, ClinGen allele CA4788721.